The following is an entry in ClinVar:

ClinVar aggregate classification (germline): Pathogenic (1 of 4 stars; one submission).

Conditions:
Hereditary cancer-predisposing syndrome. Also called: Hereditary Cancer Syndrome; Hereditary neoplastic syndrome; Neoplastic Syndromes, Hereditary; Tumor predisposition. Identifiers: Orphanet 140162, MedGen C0027672, MeSH D009386, MONDO:0015356.

Submission:

Ambry Genetics
Classification: Pathogenic for Hereditary cancer-predisposing syndrome. Last evaluated: 2022-03-25. Review status: criteria provided, single submitter. Criteria: Ambry Variant Classification Scheme 2023. Collection method: clinical testing. Allele origin: germline.
Comment: The c.546dupT pathogenic mutation, located in coding exon 5 of the ATM gene, results from a duplication of T at nucleotide position 546, causing a translational frameshift with a predicted alternate stop codon (p.H183Sfs*2). This variant is considered to be rare based on population cohorts in the Genome Aggregation Database (gnomAD). This alteration is expected to result in loss of function by premature protein truncation or nonsense-mediated mRNA decay. As such, this alteration is interpreted as a disease-causing mutation.

NM_000051.4(ATM):c.546dup (p.His183fs)

Gene: ATM (ATM serine/threonine kinase; plus strand). Cytogenetic location: 11q22.3.
Variant type: Duplication.
Coding change: c.546dup on transcript NM_000051.4 (MANE Select); coding-DNA position 546, one base duplicated (T; older notation c.546dupT).
Protein change: p.His183fs; shifts the reading frame from histidine 183.
Molecular consequence: frameshift variant.
Genome position (GRCh38, 1-based): chr11:108,244,002, T duplicated; the last of 2 consecutive T bases (chr11:108,244,001-108,244,002); duplicating either gives the same sequence. VCF-style (leftmost placement, unchanged base first): chr11-108244000-G-GT. GRCh37 (hg19) VCF-style: chr11-108114727-G-GT.
Other names: c.546dup, p.His183fs (NM_001351834.2); c.546dupT (NM_000051.3); short protein forms H183fs.
Identifiers: ClinVar variation 1747723 (VCV001747723.2), dbSNP rs2497130402, ClinGen allele CA2580083141.